The following is an entry in ClinVar:

ClinVar aggregate classification (germline): Uncertain significance (1 of 4 stars; one submission).

Submission:

Labcorp Genetics (formerly Invitae), Labcorp
Classification: Uncertain significance. Last evaluated: 2023-10-03. Review status: criteria provided, single submitter. Criteria: Invitae Variant Classification Sherloc (09022015). Collection method: clinical testing. Allele origin: germline.
Comment: This sequence change replaces alanine, which is neutral and non-polar, with threonine, which is neutral and polar, at codon 554 of the AMH protein (p.Ala554Thr). This variant is not present in population databases (gnomAD no frequency). This variant has not been reported in the literature in individuals affected with AMH-related conditions. ClinVar contains an entry for this variant (Variation ID: 2095196). An algorithm developed to predict the effect of missense changes on protein structure and function (PolyPhen-2) suggests that this variant is likely to be disruptive. In summary, the available evidence is currently insufficient to determine the role of this variant in disease. Therefore, it has been classified as a Variant of Uncertain Significance.

NM_000479.5(AMH):c.1660G>A (p.Ala554Thr)

Gene: AMH (anti-Mullerian hormone; plus strand). Cytogenetic location: 19p13.3.
Variant type: single nucleotide variant.
Coding change: c.1660G>A on transcript NM_000479.5 (MANE Select); coding-DNA position 1660, G replaced by A.
Protein change: p.Ala554Thr; replaces alanine 554 with threonine.
Molecular consequence: missense variant.
Genome position (GRCh38, 1-based): chr19:2,251,934, G>A. VCF-style: chr19-2251934-G-A. GRCh37 (hg19) VCF-style: chr19-2251933-G-A.
Other names: short protein forms A554T.
Identifiers: ClinVar variation 2095196 (VCV002095196.4), dbSNP rs2512014642, ClinGen allele CA403243820.